The following is an entry in ClinVar:

ClinVar aggregate classification (germline): Conflicting classifications of pathogenicity. Review status: criteria provided, conflicting classifications (1 of 4 stars). 4 submissions from 4 submitters: Likely pathogenic (1); Uncertain significance (3). Last evaluated 2026-04-14.

Conditions:
Progressive familial intrahepatic cholestasis type 2. Identifiers: Orphanet 79304, MedGen C3489789, MONDO:0011156, OMIM 601847.
Familial intrahepatic cholestasis. Identifiers: Orphanet 284385, MedGen CN296401, MONDO:0017290.
Benign recurrent intrahepatic cholestasis type 2 (BRIC2). Also called: Recurrent familial intrahepatic cholestasis 2. Identifiers: Orphanet 65682, Orphanet 99961, MedGen C2608083, MONDO:0011559, OMIM 605479.

Allele frequency attached by ClinVar (database versions not stated): gnomAD exomes 0.00001.
gnomAD v4.1: 3 of 1,613,832 alleles (0.00019%); highest among the groups gnomAD compares: Non-Finnish European, 0.00025%; no homozygotes.

Submissions (4):

Genomenon, Inc
Classification: Uncertain significance for Familial intrahepatic cholestasis. Last evaluated: 2026-04-14. Review status: criteria provided, single submitter. Criteria: Genomenon Sequence Variant Interpretation Standards - Updated. Collection method: curation. Allele origin: germline. Affected: yes.
Comment: ABCB11 p.Asp88Val (c.263A>T) is a missense variant that changes the amino acid at residue 88 from Aspartic acid to Valine. This variant has been observed in at least one proband with an ABCB11-related disorder (PMID:34016879). It is absent or not present at a significant frequency in gnomAD. In silico models predict that this variant is possibly or probably damaging. In conclusion, we classify ABCB11 p.Asp88Val (c.263A>T) as a variant of uncertain significance.

Women's Health and Genetics/Laboratory Corporation of America, LabCorp
Classification: Uncertain significance. Last evaluated: 2026-01-13. Review status: criteria provided, single submitter. Criteria: LabCorp Variant Classification Summary - May 2015. Collection method: clinical testing. Allele origin: germline.
Comment: Variant summary: ABCB11 c.263A>T (p.Asp88Val) results in a non-conservative amino acid change in the encoded protein sequence. Algorithms developed to predict the effect of missense changes on protein structure and function all suggest that this variant is likely to be disruptive. The variant was absent in 248860 control chromosomes. The available data on variant occurrences in the general population are insufficient to allow any conclusion about variant significance. c.263A>T has been observed in individual(s) affected with Progressive familial intrahepatic cholestasis type 1 (Hertel_2021). These data do not allow any conclusion about variant significance. To our knowledge, no experimental evidence demonstrating an impact on protein function has been reported. The following publication have been ascertained in the context of this evaluation (PMID: 34016879). ClinVar contains an entry for this variant (Variation ID: 3241110). Based on the evidence outlined above, the variant was classified as uncertain significance.

Broad Center for Mendelian Genomics, Broad Institute of MIT and Harvard
Classification: Uncertain significance for Progressive familial intrahepatic cholestasis type 2. Last evaluated: 2025-02-04. Review status: criteria provided, single submitter. Criteria: ACMG Guidelines, 2015. Collection method: curation. Allele origin: germline. Inheritance: Autosomal recessive inheritance.
Comment: The p.Asp88Val variant in ABCB11 has been reported, in the compound heterozygous state, in 1 individual with BSEP deficiency (Variation ID: 1070201; PMID: 34016879), and has been identified 0.0003% (3/1179782) of European (non-Finnish) chromosomes by the Genome Aggregation Database (gnomAD; dbSNP rs1695251731). Although this variant has been seen in the general population in a heterozygous state, its frequency is low enough to be consistent with a recessive carrier frequency. Computational prediction tools and conservation analyses suggest that this variant may impact the protein, though this information is not predictive enough to determine pathogenicity. In summary, the clinical significance of the p.Asp88Val variant is uncertain. ACMG/AMP Criteria applied: PP3_moderate, PM2_supporting, PM3_supporting (Richards 2015).

Baylor Genetics
Classification: Likely pathogenic for Benign recurrent intrahepatic cholestasis type 2. Last evaluated: 2023-11-28. Review status: criteria provided, single submitter. Criteria: ACMG Guidelines, 2015. Collection method: clinical testing. Allele origin: unknown.

Literature cited by the submitters: PubMed 34016879 (cited by Genomenon, Inc and Women's Health and Genetics/Laboratory Corporation of America, LabCorp).

NM_003742.4(ABCB11):c.263A>T (p.Asp88Val)

Gene: ABCB11 (ATP binding cassette subfamily B member 11; minus strand). Cytogenetic location: 2q31.1.
Variant type: single nucleotide variant.
Coding change: c.263A>T on transcript NM_003742.4 (MANE Select); coding-DNA position 263, A replaced by T.
Protein change: p.Asp88Val; replaces aspartic acid 88 with valine.
Molecular consequence: missense variant.
Genome position (GRCh38, 1-based): chr2:169,013,398, T>A on the plus strand (A>T on the coding strand, the complement: ABCB11 is on the minus strand). VCF-style: chr2-169013398-T-A. GRCh37 (hg19) VCF-style: chr2-169869908-T-A.
Other names: short protein forms D88V.
Identifiers: ClinVar variation 3241110 (VCV003241110.4), dbSNP rs1695251731.